The following is an entry in ClinVar:

NM_182700.6(SP8):c.1396G>A (p.Ala466Thr)

Gene: SP8 (Sp8 transcription factor; minus strand). Cytogenetic location: 7p21.1.
Variant type: single nucleotide variant.
Coding change: c.1396G>A on transcript NM_182700.6 (MANE Select); coding-DNA position 1396, G replaced by A.
Protein change: p.Ala466Thr; replaces alanine 466 with threonine.
Molecular consequence: missense variant.
Genome position (GRCh38, 1-based): chr7:20,784,421, C>T on the plus strand (G>A on the coding strand, the complement: SP8 is on the minus strand). VCF-style: chr7-20784421-C-T. GRCh37 (hg19) VCF-style: chr7-20824040-C-T.
Other names: c.1342G>A, p.Ala448Thr (NM_198956.4); short protein forms A448T, A466T.
Identifiers: ClinVar variation 4991261 (VCV004991261.1).
Genomic context (GRCh38, chr7:20,784,421, plus strand): 5'-CCGCGGCGCTGTGCTCGCTGTCGGTGTCGCTGCCCTTCTTGCCGCCGCTGCCCGAGCCCG[C>T]CGAGCCGCCGCCGCCGCCGCCGCCACTGTGCGTCTTCACGTGCTTGCTGAGGTGGTCGCT-3'
Protein context (NP_874359.2, residues 456-476): HSGGGGGGGS[Ala466Thr]GSGSGGKKGS

ClinVar aggregate classification (germline): Uncertain significance (1 of 4 stars; one submission).

Conditions:
SP8-related disorder. Also called: SP8-related condition.

Submission:

PreventionGenetics, part of Exact Sciences
Classification: Uncertain significance for SP8-related condition. Last evaluated: 2026-06-02. Review status: criteria provided, single submitter. Criteria: ACMG Guidelines, 2015. Collection method: clinical testing. Allele origin: germline.
Comment: The SP8 c.1396G>A variant is predicted to result in the amino acid substitution p.Ala466Thr. To our knowledge, this variant has not been reported in the literature or in a large population database (gnomAD), indicating this variant is rare. At this time, the clinical significance of this variant is uncertain due to the absence of conclusive functional and genetic evidence.